The following is an entry in ClinVar:

ClinVar aggregate classification (germline): Uncertain significance (1 of 4 stars; one submission).

Submission:

Labcorp Genetics (formerly Invitae), Labcorp
Classification: Uncertain significance. Last evaluated: 2022-12-16. Review status: criteria provided, single submitter. Criteria: Invitae Variant Classification Sherloc (09022015). Collection method: clinical testing. Allele origin: germline.
Comment: This sequence change replaces glutamic acid, which is acidic and polar, with glutamine, which is neutral and polar, at codon 1280 of the ERBB4 protein (p.Glu1280Gln). This variant is not present in population databases (gnomAD no frequency). This variant has not been reported in the literature in individuals affected with ERBB4-related conditions. Algorithms developed to predict the effect of missense changes on protein structure and function are either unavailable or do not agree on the potential impact of this missense change (SIFT: "Deleterious"; PolyPhen-2: "Possibly Damaging"; Align-GVGD: "Class C0"). In summary, the available evidence is currently insufficient to determine the role of this variant in disease. Therefore, it has been classified as a Variant of Uncertain Significance.

NM_005235.3(ERBB4):c.3838G>C (p.Glu1280Gln)

Gene: ERBB4 (erb-b2 receptor tyrosine kinase 4; minus strand). Cytogenetic location: 2q34.
Variant type: single nucleotide variant.
Coding change: c.3838G>C on transcript NM_005235.3 (MANE Select); coding-DNA position 3838, G replaced by C.
Protein change: p.Glu1280Gln; replaces glutamic acid 1280 with glutamine.
Molecular consequence: missense variant.
Genome position (GRCh38, 1-based): chr2:211,383,704, C>G on the plus strand (G>C on the coding strand, the complement: ERBB4 is on the minus strand). VCF-style: chr2-211383704-C-G. GRCh37 (hg19) VCF-style: chr2-212248429-C-G.
Other names: c.3790G>C, p.Glu1264Gln (NM_001042599.2); short protein forms E1280Q, E1264Q.
Identifiers: ClinVar variation 2721003 (VCV002721003.3), dbSNP rs2125308701, ClinGen allele CA350779584.